The following is an entry in ClinVar:

NM_001148.6(ANK2):c.6324C>A (p.Ser2108Arg)

Genes: ANK2 (ankyrin 2; plus strand), LOC126807136 (MED14-independent group 3 enhancer GRCh37_chr4:114274931-114276130; plus strand). Cytogenetic location: 4q26.
Variant type: single nucleotide variant.
Coding change: c.6324C>A on transcript NM_001148.6 (MANE Select); coding-DNA position 6324, C replaced by A.
Protein change: p.Ser2108Arg; replaces serine 2108 with arginine.
Molecular consequence: missense variant. On other transcripts: intron variant (68).
Genome position (GRCh38, 1-based): chr4:113,354,942, C>A. VCF-style: chr4-113354942-C-A. GRCh37 (hg19) VCF-style: chr4-114276098-C-A.
Other names: c.6090C>A, p.Ser2030Arg (NM_001386142.1); c.2724C>A, p.Ser908Arg (NM_001386166.1); c.6465C>A, p.Ser2155Arg (NM_001386174.1); c.6441C>A, p.Ser2147Arg (NM_001386175.1); c.4411+4693C>A (NM_001386186.2, NM_001386148.2); c.4213+4693C>A (NM_001354269.3); c.4291+4693C>A (NM_001386187.2); c.4252+4693C>A (NM_001386147.1); and 35 more; short protein forms S2030R, S2108R, S2147R, S2155R, S908R.
Identifiers: ClinVar variation 4717908 (VCV004717908.1).

ClinVar aggregate classification (germline): Uncertain significance (1 of 4 stars; one submission).

Conditions:
Long QT syndrome (LQTS). Identifiers: MedGen C0023976, MeSH D008133, MONDO:0002442. Disease mechanism: loss of function. Inheritance: Various modes of inheritance.

Submission:

Labcorp Genetics (formerly Invitae), Labcorp
Classification: Uncertain significance for Long QT syndrome. Last evaluated: 2025-04-19. Review status: criteria provided, single submitter. Criteria: Invitae Variant Classification Sherloc (09022015). Collection method: clinical testing. Allele origin: germline.
Comment: This sequence change replaces serine, which is neutral and polar, with arginine, which is basic and polar, at codon 2108 of the ANK2 protein (p.Ser2108Arg). This variant is not present in population databases (gnomAD no frequency). This variant has not been reported in the literature in individuals affected with ANK2-related conditions. An algorithm developed to predict the effect of missense changes on protein structure and function outputs the following: PolyPhen-2: "Benign". The arginine amino acid residue is found in multiple mammalian species, which suggests that this missense change does not adversely affect protein function. In summary, the available evidence is currently insufficient to determine the role of this variant in disease. Therefore, it has been classified as a Variant of Uncertain Significance.